The following is an entry in ClinVar:

NM_006904.7(PRKDC):c.2662A>G (p.Arg888Gly)

Gene: PRKDC (protein kinase, DNA-activated, catalytic subunit; minus strand). Cytogenetic location: 8q11.21.
Variant type: single nucleotide variant.
Coding change: c.2662A>G on transcript NM_006904.7 (MANE Select); coding-DNA position 2662, A replaced by G.
Protein change: p.Arg888Gly; replaces arginine 888 with glycine.
Molecular consequence: missense variant.
Genome position (GRCh38, 1-based): chr8:47,914,020, T>C on the plus strand (A>G on the coding strand, the complement: PRKDC is on the minus strand). VCF-style: chr8-47914020-T-C. GRCh37 (hg19) VCF-style: chr8-48826580-T-C.
Other names: c.2662A>G, p.Arg888Gly (NM_001081640.2); short protein forms R888G.
Identifiers: ClinVar variation 963342 (VCV000963342.11), dbSNP rs371388640, ClinGen allele CA4741401.

ClinVar aggregate classification (germline): Uncertain significance. Review status: criteria provided, multiple submitters, no conflicts (2 of 4 stars). 2 submissions from 2 submitters: Uncertain significance (2). Last evaluated 2022-08-31.

Conditions:
Severe combined immunodeficiency due to DNA-PKcs deficiency. Also called: IMMUNODEFICIENCY 26 WITH NEUROLOGIC ABNORMALITIES; Immunodeficiency 26 with or without neurologic abnormalities. Identifiers: Orphanet 317425, MedGen C4014833, MONDO:0014423, OMIM 615966.

Allele frequency attached by ClinVar (database versions not stated): TOPMed below 0.00001; gnomAD 0.00001; gnomAD exomes 0.00001 and 0.00002; ExAC 0.00002; ESP Exome Variant Server 0.00008.
gnomAD v4.1: 27 of 1,595,946 alleles (0.0017%); highest among the groups gnomAD compares: Non-Finnish European, 0.002%; no homozygotes.

Submissions (2):

Labcorp Genetics (formerly Invitae), Labcorp
Classification: Uncertain significance for Severe combined immunodeficiency due to DNA-PKcs deficiency. Last evaluated: 2022-08-31. Review status: criteria provided, single submitter. Criteria: Invitae Variant Classification Sherloc (09022015). Collection method: clinical testing. Allele origin: germline.
Comment: ClinVar contains an entry for this variant (Variation ID: 963342). In summary, the available evidence is currently insufficient to determine the role of this variant in disease. Therefore, it has been classified as a Variant of Uncertain Significance. This variant has not been reported in the literature in individuals affected with PRKDC-related conditions. This variant is present in population databases (rs371388640, gnomAD 0.003%). This sequence change replaces arginine, which is basic and polar, with glycine, which is neutral and non-polar, at codon 888 of the PRKDC protein (p.Arg888Gly).

Ambry Genetics
Classification: Uncertain significance. Last evaluated: 2021-09-15. Review status: criteria provided, single submitter. Criteria: Ambry Variant Classification Scheme 2023. Collection method: clinical testing. Allele origin: germline.
Comment: The p.R888G variant (also known as c.2662A>G), located in coding exon 24 of the PRKDC gene, results from an A to G substitution at nucleotide position 2662. The arginine at codon 888 is replaced by glycine, an amino acid with dissimilar properties. This amino acid position is conserved. In addition, this alteration is predicted to be tolerated by in silico analysis. Since supporting evidence is limited at this time, the clinical significance of this alteration remains unclear.